The following is an entry in ClinVar:

NM_004667.6(HERC2):c.6555+3G>A

Gene: HERC2 (HECT and RLD domain containing E3 ubiquitin protein ligase 2; minus strand). Cytogenetic location: 15q13.1.
Variant type: single nucleotide variant.
Coding change: c.6555+3G>A on transcript NM_004667.6 (MANE Select); 3 bases into the intron after coding-DNA position 6555, G replaced by A.
Molecular consequence: intron variant.
Genome position (GRCh38, 1-based): chr15:28,214,073, C>T on the plus strand (G>A on the coding strand, the complement: HERC2 is on the minus strand). VCF-style: chr15-28214073-C-T. GRCh37 (hg19) VCF-style: chr15-28459219-C-T.
Other names: NC_000015.9:g.28459219C>T.
Identifiers: ClinVar variation 1013063 (VCV001013063.40), dbSNP rs151156359, ClinGen allele CA7442021.
Genomic context (GRCh38, chr15:28,214,073, plus strand): 5'-GGAGCTGCCCAATCCCTACAGGTTCACCGTTGAACTAAATTAATTCTGAGAACACAAACC[C>T]ACCCCTTCGGAAGGCCTTCCCACAAAGCTGTGGGTGATGGAGCGGAGCTGGGAGTTGATG-3'

ClinVar aggregate classification (germline): Likely benign. Review status: criteria provided, multiple submitters, no conflicts (2 of 4 stars). 2 submissions from 2 submitters: Likely benign (2). Last evaluated 2026-07-01.

Allele frequency attached by ClinVar (database versions not stated): 1000 Genomes Project 0.00260; gnomAD exomes 0.00281 and 0.00414; gnomAD 0.00294 and 0.00302; 1000 Genomes Project 30x 0.00297; ExAC 0.00306; TOPMed 0.00327; ESP Exome Variant Server 0.00331.
gnomAD v4.1: 6,453 of 1,614,032 alleles (0.4%); highest among the groups gnomAD compares: Non-Finnish European, 0.49%; 24 homozygotes.

Submissions (6):

CeGaT Center for Human Genetics Tuebingen
Classification: Likely benign. Last evaluated: 2026-07-01. Review status: criteria provided, single submitter. Criteria: CeGaT Center For Human Genetics Tuebingen Variant Classification Criteria Version 2. Collection method: clinical testing. Allele origin: germline. Affected: yes. Observed: 25 variant alleles.
Comment: HERC2: BS2

Blueprint Genetics
Classification: Likely benign. Last evaluated: 2024-11-27. Review status: criteria provided, single submitter. Criteria: ACMG Guidelines, 2015. Collection method: clinical testing. Allele origin: germline.

Dr. Peter K. Rogan Lab, Western University
No classification provided (evidence only). Condition: Melanoma. Review status: no classification provided. Collection method: in vitro. Allele origin: not applicable. Functional consequence: retained intron. Not counted in ClinVar's aggregate classification.

Dr. Peter K. Rogan Lab, Western University
No classification provided (evidence only). Condition: Colorectal cancer. Review status: no classification provided. Collection method: in vitro. Allele origin: not applicable. Functional consequence: skipped exon. Not counted in ClinVar's aggregate classification.

Dr. Peter K. Rogan Lab, Western University
No classification provided (evidence only). Condition: Thymoma. Review status: no classification provided. Collection method: in vitro. Allele origin: not applicable. Functional consequence: retained intron. Not counted in ClinVar's aggregate classification.

Dr. Peter K. Rogan Lab, Western University
No classification provided (evidence only). Condition: Malignant tumor of esophagus. Review status: no classification provided. Collection method: in vitro. Allele origin: not applicable. Functional consequence: retained intron. Not counted in ClinVar's aggregate classification.